The following is an entry in ClinVar:

NM_032603.5(LOXL3):c.547C>A (p.Pro183Thr)

Genes: DOK1 (docking protein 1; plus strand), LOXL3 (lysyl oxidase like 3; minus strand). Cytogenetic location: 2p13.1.
Variant type: single nucleotide variant.
Coding change: c.547C>A on transcript NM_032603.5 (MANE Select); coding-DNA position 547, C replaced by A.
Protein change: p.Pro183Thr; replaces proline 183 with threonine.
Molecular consequence: missense variant. On other transcripts: 5 prime UTR variant (1), intron variant (2).
Genome position (GRCh38, 1-based): chr2:74,549,514, G>T on the plus strand (C>A on the coding strand, the complement: LOXL3 is on the minus strand). VCF-style: chr2-74549514-G-T. GRCh37 (hg19) VCF-style: chr2-74776641-G-T.
Other names: c.-317C>A (NM_001289165.2); c.477+671C>A (NM_001289164.3); c.-358+342G>T (NM_001197260.2); short protein forms P183T.
Identifiers: ClinVar variation 1446285 (VCV001446285.47), dbSNP rs1024273215, ClinGen allele CA50501023.

ClinVar aggregate classification (germline): Uncertain significance. Review status: criteria provided, multiple submitters, no conflicts (2 of 4 stars). 2 submissions from 2 submitters: Uncertain significance (2). Last evaluated 2025-08-11.

Allele frequency attached by ClinVar (database versions not stated): gnomAD exomes 0.00001; gnomAD 0.00010 and 0.00011; TOPMed 0.00006.
gnomAD v4.1: 21 of 1,613,510 alleles (0.0013%); highest among the groups gnomAD compares: Admixed American, 0.032%; no homozygotes.

Submissions (2):

Ambry Genetics
Classification: Uncertain significance. Last evaluated: 2025-08-11. Review status: criteria provided, single submitter. Criteria: Ambry Variant Classification Scheme 2023. Collection method: clinical testing. Allele origin: germline.

Labcorp Genetics (formerly Invitae), Labcorp
Classification: Uncertain significance. Last evaluated: 2022-08-09. Review status: criteria provided, single submitter. Criteria: Invitae Variant Classification Sherloc (09022015). Collection method: clinical testing. Allele origin: germline.
Comment: This sequence change replaces proline, which is neutral and non-polar, with threonine, which is neutral and polar, at codon 183 of the LOXL3 protein (p.Pro183Thr). This variant is present in population databases (no rsID available, gnomAD 0.006%). This variant has not been reported in the literature in individuals affected with LOXL3-related conditions. ClinVar contains an entry for this variant (Variation ID: 1446285). Algorithms developed to predict the effect of missense changes on protein structure and function (SIFT, PolyPhen-2, Align-GVGD) all suggest that this variant is likely to be disruptive. In summary, the available evidence is currently insufficient to determine the role of this variant in disease. Therefore, it has been classified as a Variant of Uncertain Significance.